The following is an entry in ClinVar:

NM_000059.4(BRCA2):c.8764A>G (p.Ser2922Gly)

Gene: BRCA2 (BRCA2 DNA repair associated; plus strand). Cytogenetic location: 13q13.1.
Variant type: single nucleotide variant.
Coding change: c.8764A>G on transcript NM_000059.4 (MANE Select); coding-DNA position 8764, A replaced by G.
Protein change: p.Ser2922Gly; replaces serine 2922 with glycine.
Molecular consequence: missense variant.
Genome position (GRCh38, 1-based): chr13:32,379,326, A>G. VCF-style: chr13-32379326-A-G. GRCh37 (hg19) VCF-style: chr13-32953463-A-G.
Other names: p.S2922G:AGT>GGT; 8992A>G; short protein forms S2922G.
Identifiers: ClinVar variation 38186 (VCV000038186.33), dbSNP rs80359132, ClinGen allele CA025819.

ClinVar aggregate classification (germline): Benign. Review status: reviewed by expert panel (3 of 4 stars). 13 submissions from 13 submitters: Benign (1). 12 of the submissions do not count toward it. Last evaluated 2019-06-18.

Conditions:
Hereditary cancer-predisposing syndrome. Also called: Neoplastic Syndromes, Hereditary; Hereditary neoplastic syndrome; Tumor predisposition; Hereditary Cancer Syndrome. Identifiers: Orphanet 140162, MedGen C0027672, MeSH D009386, MONDO:0015356.
Hereditary breast ovarian cancer syndrome. Also called: Hereditary breast and/or ovarian cancer syndrome; Breast and ovarian cancer; BRCA1- and BRCA2-Associated Hereditary Breast and Ovarian Cancer; Hereditary breast and ovarian cancer; Hereditary breast and ovarian cancer syndrome; Hereditary breast and ovarian cancer syndrome (HBOC). Identifiers: Orphanet 145, MedGen C0677776, MeSH D061325, MONDO:0003582. Disease mechanism: loss of function.
Breast-ovarian cancer, familial, susceptibility to, 2 (BROVCA2). Also called: BRCA2 Hereditary Breast and Ovarian Cancer. Identifiers: Orphanet 145, MedGen C2675520, MONDO:0012933, OMIM 612555. Disease mechanism: loss of function.
Malignant tumor of breast. Also called: Cancer breast; Malignant breast neoplasm. Identifiers: MedGen C0006142, MONDO:0007254. Disease mechanism: loss of function.

Allele frequency attached by ClinVar (database versions not stated): ExAC 0.00001; gnomAD 0.00001; gnomAD exomes 0.00001; TOPMed 0.00001; ESP Exome Variant Server 0.00008.
gnomAD v4.1: 18 of 1,613,504 alleles (0.0011%); highest among the groups gnomAD compares: Non-Finnish European, 0.0014%; no homozygotes.

Submissions (13):

Evidence-based Network for the Interpretation of Germline Mutant Alleles (ENIGMA)
Classification: Benign for Breast-ovarian cancer, familial, susceptibility to, 2. Last evaluated: 2019-06-18. Review status: reviewed by expert panel. Criteria: ENIGMA BRCA1/2 Classification Criteria (2017-06-29). Collection method: curation. Allele origin: germline.
Comment: IARC class based on posterior probability from multifactorial likelihood analysis, thresholds for class as per Plon et al. 2008 (PMID: 18951446). Class 1 based on posterior probability = 0.000712

Labcorp Genetics (formerly Invitae), Labcorp
Classification: Likely benign for Hereditary breast ovarian cancer syndrome. Last evaluated: 2025-12-24. Review status: criteria provided, single submitter. Criteria: Invitae Variant Classification Sherloc (09022015). Collection method: clinical testing. Allele origin: germline. Not counted in ClinVar's aggregate classification.

All of Us Research Program, National Institutes of Health
Classification: Likely benign for Breast-ovarian cancer, familial, susceptibility to, 2. Last evaluated: 2023-07-10. Review status: criteria provided, single submitter. Criteria: ACMG Guidelines, 2015. Collection method: clinical testing. Allele origin: germline. Inheritance: Autosomal dominant inheritance. Observed: 1 variant allele, 1 heterozygote. Not counted in ClinVar's aggregate classification.
Comment: This study involves interpretation of variants in research participants for the purpose of population health screening. Participant phenotype was not available at the time of variant classification. Additional details can be found in publication PMID: 35346344, PMCID: PMC8962531

Quest Diagnostics Nichols Institute San Juan Capistrano
Classification: Likely benign. Last evaluated: 2023-03-02. Review status: criteria provided, single submitter. Criteria: Quest Diagnostics criteria. Collection method: clinical testing. Allele origin: unknown. Not counted in ClinVar's aggregate classification.

Women's Health and Genetics/Laboratory Corporation of America, LabCorp
Classification: Benign. Last evaluated: 2022-07-11. Review status: criteria provided, single submitter. Criteria: LabCorp Variant Classification Summary - May 2015. Collection method: clinical testing. Allele origin: germline. Not counted in ClinVar's aggregate classification.
Comment: Variant summary: BRCA2 c.8764A>G (p.Ser2922Gly) results in a non-conservative amino acid change in the encoded protein sequence. Five of five in-silico tools predict a damaging effect of the variant on protein function. The variant allele was found at a frequency of 8e-06 in 250484 control chromosomes (gnomAD). The available data on variant occurrences in the general population are insufficient to allow any conclusion about variant significance. The variant, c.8764A>G, has been reported in the literature in individuals affected with breast cancer (Foley_2015, Dorling_2021), but was also found in multiple healthy controls (Dorling_2021). Co-occurrences with other pathogenic BRCA2 variant have been reported (c.4478_4481delAAAG (p.Glu1493ValfsX10) in the BIC database and c.4127_4130delGAAA (p.Gly1376AlafsX11) in Foley_2015), providing supporting evidence for a benign role. In addition, a recent multifactorial likelihood analysis predicted this variant to be benign (Parsons_2019).To our knowledge, no experimental evidence demonstrating an impact on protein function has been reported. Eight other submitters, including an expert panel (ENIGMA), have provided clinical-significance assessments for this variant in ClinVar after 2014, and classified the variant as VUS (n=3), likely benign (n=3) / benign (n=2; including the expert panel). Based on the evidence outlined above, the variant was classified as benign.

Blueprint Genetics
Classification: Likely benign. Last evaluated: 2022-06-13. Review status: criteria provided, single submitter. Criteria: ACMG Guidelines, 2015. Collection method: clinical testing. Allele origin: germline. Not counted in ClinVar's aggregate classification.

Ambry Genetics
Classification: Likely benign for Hereditary cancer-predisposing syndrome. Last evaluated: 2022-01-12. Review status: criteria provided, single submitter. Criteria: Ambry Variant Classification Scheme 2023. Collection method: clinical testing. Allele origin: germline. Not counted in ClinVar's aggregate classification.

Color Diagnostics, LLC DBA Color Health
Classification: Likely benign for Hereditary cancer-predisposing syndrome. Last evaluated: 2020-08-26. Review status: criteria provided, single submitter. Criteria: ACMG Guidelines, 2015. Collection method: clinical testing. Allele origin: germline. Not counted in ClinVar's aggregate classification.

GeneDx
Classification: Likely benign. Last evaluated: 2019-12-03. Review status: criteria provided, single submitter. Criteria: GeneDx Variant Classification Process June 2021. Collection method: clinical testing. Allele origin: germline. Affected: yes. Not counted in ClinVar's aggregate classification.
Comment: In silico analysis, which includes protein predictors and evolutionary conservation, supports that this variant does not alter protein structure/function; This variant is associated with the following publications: (PMID: 26023681, 19043619, 31131967, 31294896)

Mendelics
Classification: Benign for Breast-ovarian cancer, familial, susceptibility to, 2. Last evaluated: 2019-05-28. Review status: criteria provided, single submitter. Criteria: Mendelics Assertion Criteria 2017. Collection method: clinical testing. Allele origin: unknown. Not counted in ClinVar's aggregate classification.

Sharing Clinical Reports Project (SCRP)
Classification: Likely benign for Breast-ovarian cancer, familial 2. Last evaluated: 2009-03-26. Review status: no assertion criteria provided. Collection method: clinical testing. Allele origin: germline. Not counted in ClinVar's aggregate classification.

Breast Cancer Information Core (BIC) (BRCA2)
Classification: Uncertain significance for Breast-ovarian cancer, familial 2. Last evaluated: 2002-05-29. Review status: no assertion criteria provided. Collection method: clinical testing. Allele origin: germline. Affected: yes. Observed: 1 variant allele. Not counted in ClinVar's aggregate classification.

Department of Pathology and Laboratory Medicine, Sinai Health System
Classification: Uncertain significance for Malignant tumor of breast. Review status: no assertion criteria provided. Collection method: clinical testing. Allele origin: unknown. Affected: yes. Study: The Canadian Open Genetics Repository (COGR). Not counted in ClinVar's aggregate classification.
Comment: The BRCA2 p.Ser2922Gly variant was identified in 1 of 516 proband chromosomes (frequency: 0.00193) from an individual with breast cancer (Foley_2015). The variant was also identified in a cohort of high-risk breast/ovarian cancer families, with the pathogenicity assessed to be inconclusive using the protein likelihood ratio model, a bioinformatics tool to predict whether a missense variant affects protein function (Karchin_2008). The variant was also identified in dbSNP (ID: rs80359132) as â€šÃ„ÃºWith other alleleâ€šÃ„Ã¹, ClinVar (with conflicting interpretations of pathogenicity (as likely benign by SCRP and as uncertain significance by Invitae, GeneDx, Ambry Geneticvs, COGR, and BIC)), Clinvitae (with conflicting interpretations of pathogenicity), COGR (as uncertain significance), Cosmic (as pathogenic, found in ovarian cancer ), LOVD 3.0 (2x as "inconclusive"), and the BIC Database (1x as "unknown clinical importance"). The variant was not identified in MutDB, UMD-LSDB, ARUP Laboratories, Zhejiang Colon Cancer Database. The variant was identified in control databases in 2 of 276204 chromosomes at a frequency of 0.000007 (Genome Aggregation Database Feb 27, 2017). It was observed in the following populations: African in 1 of 23950 chromosomes (freq: 0.000042), and European (Non-Finnish) in 1 of 125972 chromosomes (freq: 0.000008); but not observed in the Other, Latino, Ashkenazi Jewish, East Asian, European (Finnish), and South Asian populations. The p.Ser2922Gly residue is conserved in mammals and computational analyses (PolyPhen-2, SIFT, AlignGVGD, BLOSUM, MutationTaster) provide inconsistent predictions regarding the impact to the protein; this information is not very predictive of pathogenicity. The variant occurs outside of the splicing consensus sequence and 2 of 5 in silico or computational prediction software programs (SpliceSiteFinder, MaxEntScan, NNSPLICE, GeneSplicer, HumanSpliceFinder) predict a greater than 10% difference in splicing; this is not very predictive of pathogenicity. In summary, based on the above information the clinical significance of this variant cannot be determined with certainty at this time. This variant is classified as a variant of uncertain significance.

Literature cited by the submitters: PubMed 31131967 (cited by 4 submitters); PubMed 26023681 (cited by 3 submitters); PubMed 19043619 (cited by 3 submitters); PubMed 27527004 (cited by Quest Diagnostics Nichols Institute San Juan Capistrano); PubMed 31112341 (cited by Quest Diagnostics Nichols Institute San Juan Capistrano and Ambry Genetics); PubMed 31294896 (cited by 3 submitters); PubMed 32885271 (cited by Quest Diagnostics Nichols Institute San Juan Capistrano and Ambry Genetics); PubMed 33471991 (cited by Women's Health and Genetics/Laboratory Corporation of America, LabCorp and Ambry Genetics).